The following is an entry in ClinVar:

ClinVar aggregate classification (germline): Uncertain significance. Review status: criteria provided, multiple submitters, no conflicts (2 of 4 stars). 2 submissions from 2 submitters: Uncertain significance (2). Last evaluated 2023-05-26.

Allele frequency attached by ClinVar (database versions not stated): ExAC 0.00002; gnomAD exomes 0.00002.
gnomAD v4.1: 26 of 1,611,594 alleles (0.0016%); highest among the groups gnomAD compares: Admixed American, 0.005%; no homozygotes.

Submissions (2):

Ambry Genetics
Classification: Uncertain significance. Last evaluated: 2023-05-26. Review status: criteria provided, single submitter. Criteria: Ambry Variant Classification Scheme 2023. Collection method: clinical testing. Allele origin: germline.

Labcorp Genetics (formerly Invitae), Labcorp
Classification: Uncertain significance. Last evaluated: 2023-02-13. Review status: criteria provided, single submitter. Criteria: Invitae Variant Classification Sherloc (09022015). Collection method: clinical testing. Allele origin: germline.
Comment: This sequence change replaces arginine, which is basic and polar, with tryptophan, which is neutral and slightly polar, at codon 573 of the MCM5 protein (p.Arg573Trp). This variant is present in population databases (rs768389702, gnomAD 0.006%). This variant has not been reported in the literature in individuals affected with MCM5-related conditions. Advanced modeling of protein sequence and biophysical properties (such as structural, functional, and spatial information, amino acid conservation, physicochemical variation, residue mobility, and thermodynamic stability) performed at Invitae indicates that this missense variant is expected to disrupt MCM5 protein function. In summary, the available evidence is currently insufficient to determine the role of this variant in disease. Therefore, it has been classified as a Variant of Uncertain Significance.

NM_006739.4(MCM5):c.1717C>T (p.Arg573Trp)

Gene: MCM5 (minichromosome maintenance complex component 5; plus strand). Cytogenetic location: 22q12.3.
Variant type: single nucleotide variant.
Coding change: c.1717C>T on transcript NM_006739.4 (MANE Select); coding-DNA position 1717, C replaced by T.
Protein change: p.Arg573Trp; replaces arginine 573 with tryptophan.
Molecular consequence: missense variant.
Genome position (GRCh38, 1-based): chr22:35,419,897, C>T. VCF-style: chr22-35419897-C-T. GRCh37 (hg19) VCF-style: chr22-35815890-C-T.
Other names: short protein forms R573W.
Identifiers: ClinVar variation 2560360 (VCV002560360.5), dbSNP rs768389702, ClinGen allele CA10205491.